The following is an entry in ClinVar:

NM_006947.4(SRP72):c.1582A>G (p.Thr528Ala)

Gene: SRP72 (signal recognition particle 72; plus strand). Cytogenetic location: 4q12.
Variant type: single nucleotide variant.
Coding change: c.1582A>G on transcript NM_006947.4 (MANE Select); coding-DNA position 1582, A replaced by G.
Protein change: p.Thr528Ala; replaces threonine 528 with alanine.
Molecular consequence: missense variant. On other transcripts: non-coding transcript variant (1).
Genome position (GRCh38, 1-based): chr4:56,491,510, A>G. VCF-style: chr4-56491510-A-G. GRCh37 (hg19) VCF-style: chr4-57357676-A-G.
Other names: c.1399A>G, p.Thr467Ala (NM_001267722.2); c.1582A>G (NM_006947.3); short protein forms T467A, T528A.
Identifiers: ClinVar variation 3608920 (VCV003608920.3).

ClinVar aggregate classification (germline): Uncertain significance. Review status: criteria provided, multiple submitters, no conflicts (2 of 4 stars). 2 submissions from 2 submitters: Uncertain significance (2). Last evaluated 2025-04-11.

gnomAD v4.1: 4 of 1,614,030 alleles (0.00025%); highest among the groups gnomAD compares: South Asian, 0.0022%; no homozygotes.

Submissions (2):

Ambry Genetics
Classification: Uncertain significance. Last evaluated: 2025-04-11. Review status: criteria provided, single submitter. Criteria: Ambry Variant Classification Scheme 2023. Collection method: clinical testing. Allele origin: germline.
Comment: The p.T528A variant (also known as c.1582A>G), located in coding exon 16 of the SRP72 gene, results from an A to G substitution at nucleotide position 1582. The threonine at codon 528 is replaced by alanine, an amino acid with similar properties. This amino acid position is conserved. In addition, this alteration is predicted to be deleterious by in silico analysis. Based on the available evidence, the clinical significance of this variant remains unclear.

Labcorp Genetics (formerly Invitae), Labcorp
Classification: Uncertain significance. Last evaluated: 2024-02-22. Review status: criteria provided, single submitter. Criteria: Invitae Variant Classification Sherloc (09022015). Collection method: clinical testing. Allele origin: germline.
Comment: This sequence change replaces threonine, which is neutral and polar, with alanine, which is neutral and non-polar, at codon 528 of the SRP72 protein (p.Thr528Ala). This variant is present in population databases (rs756624463, gnomAD 0.003%). This variant has not been reported in the literature in individuals affected with SRP72-related conditions. Advanced modeling of protein sequence and biophysical properties (such as structural, functional, and spatial information, amino acid conservation, physicochemical variation, residue mobility, and thermodynamic stability) performed at Invitae indicates that this missense variant is not expected to disrupt SRP72 protein function with a negative predictive value of 80%. In summary, the available evidence is currently insufficient to determine the role of this variant in disease. Therefore, it has been classified as a Variant of Uncertain Significance.